The following is an entry in ClinVar:

NM_004370.6(COL12A1):c.2420A>T (p.Asn807Ile)

Gene: COL12A1 (collagen type XII alpha 1 chain; minus strand). Cytogenetic location: 6q13.
Variant type: single nucleotide variant.
Coding change: c.2420A>T on transcript NM_004370.6 (MANE Select); coding-DNA position 2420, A replaced by T.
Protein change: p.Asn807Ile; replaces asparagine 807 with isoleucine.
Molecular consequence: missense variant. On other transcripts: intron variant (2).
Genome position (GRCh38, 1-based): chr6:75,177,680, T>A on the plus strand (A>T on the coding strand, the complement: COL12A1 is on the minus strand). VCF-style: chr6-75177680-T-A. GRCh37 (hg19) VCF-style: chr6-75887396-T-A.
Other names: c.2420A>T, p.Asn807Ile (NM_001424113.1, NM_001424114.1, NM_001424115.1); c.73+25040A>T (NM_001424116.1, NM_080645.3); short protein forms N807I.
Identifiers: ClinVar variation 3756940 (VCV003756940.2).

ClinVar aggregate classification (germline): Uncertain significance (1 of 4 stars; one submission).

Conditions:
Ullrich congenital muscular dystrophy 2 (UCMD2). Identifiers: Orphanet 75840, MedGen C4225314, MONDO:0014654, OMIM 616470.
Bethlem myopathy 2 (BTHLM2). Identifiers: Orphanet 536516, Orphanet 610, MedGen C4225313, MONDO:0034022, OMIM 616471.

Submission:

Labcorp Genetics (formerly Invitae), Labcorp
Classification: Uncertain significance for Bethlem myopathy 2; Ullrich congenital muscular dystrophy 2. Last evaluated: 2024-06-23. Review status: criteria provided, single submitter. Criteria: Invitae Variant Classification Sherloc (09022015). Collection method: clinical testing. Allele origin: germline.
Comment: This sequence change replaces asparagine, which is neutral and polar, with isoleucine, which is neutral and non-polar, at codon 807 of the COL12A1 protein (p.Asn807Ile). This variant is not present in population databases (gnomAD no frequency). This variant has not been reported in the literature in individuals affected with COL12A1-related conditions. Advanced modeling of protein sequence and biophysical properties (such as structural, functional, and spatial information, amino acid conservation, physicochemical variation, residue mobility, and thermodynamic stability) performed at Invitae indicates that this missense variant is not expected to disrupt COL12A1 protein function with a negative predictive value of 80%. In summary, the available evidence is currently insufficient to determine the role of this variant in disease. Therefore, it has been classified as a Variant of Uncertain Significance.